The following is an entry in ClinVar:

ClinVar aggregate classification (germline): Uncertain significance (1 of 4 stars; one submission).

Submission:

GeneDx
Classification: Uncertain significance. Last evaluated: 2023-11-17. Review status: criteria provided, single submitter. Criteria: GeneDx Variant Classification Process June 2021. Collection method: clinical testing. Allele origin: germline. Affected: yes.
Comment: Not observed at significant frequency in large population cohorts (gnomAD); Canonical splice site variant in a gene for which loss-of-function is not an established mechanism of disease; Has not been previously published as pathogenic or benign to our knowledge

NM_001394062.1(MACF1):c.15817-1G>C

Gene: MACF1 (microtubule actin crosslinking factor 1; plus strand). Cytogenetic location: 1p34.3.
Variant type: single nucleotide variant.
Coding change: c.15817-1G>C on transcript NM_001394062.1 (MANE Select); the canonical splice acceptor site of the intron before coding-DNA position 15817, G replaced by C.
Molecular consequence: splice acceptor variant.
Genome position (GRCh38, 1-based): chr1:39,422,373, G>C. VCF-style: chr1-39422373-G-C. GRCh37 (hg19) VCF-style: chr1-39888045-G-C.
Other names: c.9631-1G>C (NM_012090.5); c.4213-1G>C (NM_001397473.1).
Identifiers: ClinVar variation 3364544 (VCV003364544.1).
Genomic context (GRCh38, chr1:39,422,373, plus strand): 5'-GCGTGGTATAGAGAGTCTAATAGCCTTTGTATTAAATCTTCTTTGGCTTGTAATTATCTA[G>C]ATGTTTCAGAAAGAACAAGTGGATCCTCTTCAGATGAAATTGCAGCAGGTGAATGGACTT-3'